The following is an entry in ClinVar:

NM_006231.4(POLE):c.2435T>G (p.Leu812Arg)

Gene: POLE (DNA polymerase epsilon, catalytic subunit; minus strand). Cytogenetic location: 12q24.33.
Variant type: single nucleotide variant.
Coding change: c.2435T>G on transcript NM_006231.4 (MANE Select); coding-DNA position 2435, T replaced by G.
Protein change: p.Leu812Arg; replaces leucine 812 with arginine.
Molecular consequence: missense variant.
Genome position (GRCh38, 1-based): chr12:132,665,335, A>C on the plus strand (T>G on the coding strand, the complement: POLE is on the minus strand). VCF-style: chr12-132665335-A-C. GRCh37 (hg19) VCF-style: chr12-133241921-A-C.
Other names: short protein forms L812R.
Identifiers: ClinVar variation 3377790 (VCV003377790.1).
Genomic context (GRCh38, chr12:132,665,335, plus strand): 5'-GCCTCTCCCGGGCCCGGGCCCACCTACCCCTTGCGCATGACATAGCCATAGAAGGAGTTC[A>C]GGATGCACTTGTGGGCCAGCTGCAGCGAGTCATACAGCACCTCCATGTTCTTGCAGCGCT-3'
Protein context (NP_006222.2, residues 802-822): DSLQLAHKCI[Leu812Arg]NSFYGYVMRK

ClinVar aggregate classification (germline): Uncertain significance (1 of 4 stars; one submission).

Conditions:
Colorectal cancer, susceptibility to, 12 (CRCS12). Also called: COLORECTAL CANCER, SUSCEPTIBILITY TO, ON CHROMOSOME 12q24. Identifiers: Orphanet 220460, MedGen C3554460, MONDO:0014038, OMIM 615083.

Submission:

St. Jude Molecular Pathology, St. Jude Children's Research Hospital
Classification: Uncertain significance for Colorectal cancer, susceptibility to, 12. Last evaluated: 2024-01-02. Review status: criteria provided, single submitter. Criteria: St. Jude Assertion Criteria 2020. Collection method: clinical testing. Allele origin: germline.
Comment: The POLE c.2435T>G (p.Leu812Arg) missense change is absent in gnomAD v2.1.1. The in silico tool REVEL predicts a deleterious effect on protein function, but to our knowledge this prediction has not been confirmed by functional studies. To our knowledge, this variant has not been reported in the literature in individuals with POLE-related disease. In summary, the evidence currently available is insufficient to determine the clinical significance of this variant. It has therefore been classified as of uncertain significance.